The following is an entry in ClinVar:

ClinVar aggregate classification (germline): Uncertain significance (1 of 4 stars; one submission).

Submission:

Labcorp Genetics (formerly Invitae), Labcorp
Classification: Uncertain significance. Last evaluated: 2024-06-05. Review status: criteria provided, single submitter. Criteria: Invitae Variant Classification Sherloc (09022015). Collection method: clinical testing. Allele origin: germline.
Comment: This sequence change replaces isoleucine, which is neutral and non-polar, with threonine, which is neutral and polar, at codon 365 of the COL11A1 protein (p.Ile365Thr). This variant is not present in population databases (gnomAD no frequency). This variant has not been reported in the literature in individuals affected with COL11A1-related conditions. Advanced modeling of protein sequence and biophysical properties (such as structural, functional, and spatial information, amino acid conservation, physicochemical variation, residue mobility, and thermodynamic stability) performed at Invitae indicates that this missense variant is not expected to disrupt COL11A1 protein function with a negative predictive value of 95%. In summary, the available evidence is currently insufficient to determine the role of this variant in disease. Therefore, it has been classified as a Variant of Uncertain Significance.

NM_001854.4(COL11A1):c.1094T>C (p.Ile365Thr)

Gene: COL11A1 (collagen type XI alpha 1 chain; minus strand). Cytogenetic location: 1p21.1.
Variant type: single nucleotide variant.
Coding change: c.1094T>C on transcript NM_001854.4 (MANE Select); coding-DNA position 1094, T replaced by C.
Protein change: p.Ile365Thr; replaces isoleucine 365 with threonine.
Molecular consequence: missense variant. On other transcripts: non-coding transcript variant (1), intron variant (1).
Genome position (GRCh38, 1-based): chr1:103,022,893, A>G on the plus strand (T>C on the coding strand, the complement: COL11A1 is on the minus strand). VCF-style: chr1-103022893-A-G. GRCh37 (hg19) VCF-style: chr1-103488449-A-G.
Other names: c.977T>C, p.Ile326Thr (NM_001190709.2); c.1130T>C, p.Ile377Thr (NM_080629.3); c.898-1124T>C (NM_080630.4); short protein forms I326T, I365T, I377T.
Identifiers: ClinVar variation 3689223 (VCV003689223.2).
Genomic context (GRCh38, chr1:103,022,893, plus strand): 5'-TCATAAAAATCATATTCGCCTAAATCTCCATCTACCAGAAGATCAGAATCCCTGCCGTCT[A>G]TTTCTTTGTTTTCATATAGTGTATCCTCAGAATTTTTCCTCTGGGAATCATAATCCTCTC-3'
Protein context (NP_001845.3, residues 355-375): SEDTLYENKE[Ile365Thr]DGRDSDLLVD